The following is an entry in ClinVar:

ClinVar aggregate classification (germline): Pathogenic (1 of 4 stars; one submission).

gnomAD v4.1: 1 of 1,614,092 alleles (0.000062%); highest among the groups gnomAD compares: Non-Finnish European, 0.000085%; no homozygotes.

Submission:

Labcorp Genetics (formerly Invitae), Labcorp
Classification: Pathogenic. Last evaluated: 2022-07-24. Review status: criteria provided, single submitter. Criteria: Invitae Variant Classification Sherloc (09022015). Collection method: clinical testing. Allele origin: germline.
Comment: For these reasons, this variant has been classified as Pathogenic. ClinVar contains an entry for this variant (Variation ID: 1076829). This premature translational stop signal has been observed in individual(s) with clinical features of Retinitis pigmentosa (Invitae). This variant is not present in population databases (gnomAD no frequency). This sequence change creates a premature translational stop signal (p.Trp450*) in the IMPG2 gene. It is expected to result in an absent or disrupted protein product. Loss-of-function variants in IMPG2 are known to be pathogenic (PMID: 20673862).

Literature cited by the submitters: PubMed 20673862.

NM_016247.4(IMPG2):c.1350G>A (p.Trp450Ter)

Gene: IMPG2 (interphotoreceptor matrix proteoglycan 2; minus strand). Cytogenetic location: 3q12.3.
Variant type: single nucleotide variant.
Coding change: c.1350G>A on transcript NM_016247.4 (MANE Select); coding-DNA position 1350, G replaced by A.
Protein change: p.Trp450Ter; replaces tryptophan 450 with a stop codon.
Molecular consequence: nonsense.
Genome position (GRCh38, 1-based): chr3:101,245,995, C>T on the plus strand (G>A on the coding strand, the complement: IMPG2 is on the minus strand). VCF-style: chr3-101245995-C-T. GRCh37 (hg19) VCF-style: chr3-100964839-C-T.
Other names: short protein forms W450*.
Identifiers: ClinVar variation 1076829 (VCV001076829.9), dbSNP rs760477475, ClinGen allele CA353862729.
Genomic context (GRCh38, chr3:101,245,995, plus strand): 5'-CATCTTCGAGGGAAAGGCTAATTTGTGTGTAGACACTAAATCACCCAAAGGACTTTCTGA[C>T]CAGAGTTCCCTGCCAGTGGCTGAGGGAGGACCAGAGCTGAAATCAAGTGGTGGAATACTG-3'